The following is an entry in ClinVar:

NM_152515.5(CKAP2L):c.1291T>G (p.Phe431Val)

Gene: CKAP2L (cytoskeleton associated protein 2 like; minus strand). Cytogenetic location: 2q14.1.
Variant type: single nucleotide variant.
Coding change: c.1291T>G on transcript NM_152515.5 (MANE Select); coding-DNA position 1291, T replaced by G.
Protein change: p.Phe431Val; replaces phenylalanine 431 with valine.
Molecular consequence: missense variant. On other transcripts: non-coding transcript variant (1).
Genome position (GRCh38, 1-based): chr2:112,756,080, A>C on the plus strand (T>G on the coding strand, the complement: CKAP2L is on the minus strand). VCF-style: chr2-112756080-A-C. GRCh37 (hg19) VCF-style: chr2-113513657-A-C.
Other names: c.796T>G, p.Phe266Val (NM_001304361.2); short protein forms F266V, F431V.
Identifiers: ClinVar variation 1513182 (VCV001513182.8), dbSNP rs2104882889, ClinGen allele CA348295864.

ClinVar aggregate classification (germline): Uncertain significance (1 of 4 stars; one submission).

Allele frequency attached by ClinVar (database versions not stated): gnomAD exomes below 0.00001.
gnomAD v4.1: 2 of 1,614,138 alleles (0.00012%); highest among the groups gnomAD compares: Middle Eastern, 0.016%; no homozygotes.

Submission:

Labcorp Genetics (formerly Invitae), Labcorp
Classification: Uncertain significance. Last evaluated: 2024-04-06. Review status: criteria provided, single submitter. Criteria: Invitae Variant Classification Sherloc (09022015). Collection method: clinical testing. Allele origin: germline.
Comment: This sequence change replaces phenylalanine, which is neutral and non-polar, with valine, which is neutral and non-polar, at codon 431 of the CKAP2L protein (p.Phe431Val). This variant is not present in population databases (gnomAD no frequency). This variant has not been reported in the literature in individuals affected with CKAP2L-related conditions. ClinVar contains an entry for this variant (Variation ID: 1513182). Advanced modeling of protein sequence and biophysical properties (such as structural, functional, and spatial information, amino acid conservation, physicochemical variation, residue mobility, and thermodynamic stability) performed at Invitae indicates that this missense variant is expected to disrupt CKAP2L protein function with a positive predictive value of 80%. In summary, the available evidence is currently insufficient to determine the role of this variant in disease. Therefore, it has been classified as a Variant of Uncertain Significance.